The following is an entry in ClinVar:

ClinVar aggregate classification (germline): Uncertain significance (1 of 4 stars; one submission).

Conditions:
Glycogen storage disease due to muscle and heart glycogen synthase deficiency. Also called: GSD 0b; MUSCLE GLYCOGEN SYNTHASE DEFICIENCY. Identifiers: Orphanet 137625, MedGen C1969054, MONDO:0012693, OMIM 611556.

Allele frequency attached by ClinVar (database versions not stated): gnomAD exomes below 0.00001; TOPMed below 0.00001; ExAC 0.00001; gnomAD 0.00001.
gnomAD v4.1: 3 of 1,613,680 alleles (0.00019%); highest among the groups gnomAD compares: African/African-American, 0.0013%; no homozygotes.

Submission:

Labcorp Genetics (formerly Invitae), Labcorp
Classification: Uncertain significance for Glycogen storage disease due to muscle and heart glycogen synthase deficiency. Last evaluated: 2022-09-07. Review status: criteria provided, single submitter. Criteria: Invitae Variant Classification Sherloc (09022015). Collection method: clinical testing. Allele origin: germline.
Comment: In summary, the available evidence is currently insufficient to determine the role of this variant in disease. Therefore, it has been classified as a Variant of Uncertain Significance. Algorithms developed to predict the effect of missense changes on protein structure and function are either unavailable or do not agree on the potential impact of this missense change (SIFT: "Deleterious"; PolyPhen-2: "Probably Damaging"; Align-GVGD: "Class C0"). ClinVar contains an entry for this variant (Variation ID: 1051757). This variant has not been reported in the literature in individuals affected with GYS1-related conditions. This variant is present in population databases (rs763358013, gnomAD 0.0009%). This sequence change replaces alanine, which is neutral and non-polar, with proline, which is neutral and non-polar, at codon 612 of the GYS1 protein (p.Ala612Pro).

NM_002103.5(GYS1):c.1834G>C (p.Ala612Pro)

Gene: GYS1 (glycogen synthase 1; minus strand). Cytogenetic location: 19q13.33.
Variant type: single nucleotide variant.
Coding change: c.1834G>C on transcript NM_002103.5 (MANE Select); coding-DNA position 1834, G replaced by C.
Protein change: p.Ala612Pro; replaces alanine 612 with proline.
Molecular consequence: missense variant. On other transcripts: non-coding transcript variant (1).
Genome position (GRCh38, 1-based): chr19:48,969,831, C>G on the plus strand (G>C on the coding strand, the complement: GYS1 is on the minus strand). VCF-style: chr19-48969831-C-G. GRCh37 (hg19) VCF-style: chr19-49473088-C-G.
Other names: c.1642G>C, p.Ala548Pro (NM_001161587.2); short protein forms A548P, A612P.
Identifiers: ClinVar variation 1051757 (VCV001051757.9), dbSNP rs763358013, ClinGen allele CA9562769.